The following is an entry in ClinVar:

ClinVar aggregate classification (germline): Pathogenic (1 of 4 stars; one submission).

Conditions:
Hereditary breast ovarian cancer syndrome. Also called: Hereditary breast and ovarian cancer; Breast and ovarian cancer; BRCA1- and BRCA2-Associated Hereditary Breast and Ovarian Cancer; Hereditary breast and/or ovarian cancer syndrome; Hereditary breast and ovarian cancer syndrome; Hereditary breast and ovarian cancer syndrome (HBOC). Identifiers: Orphanet 145, MedGen C0677776, MeSH D061325, MONDO:0003582. Disease mechanism: loss of function.

Submission:

Labcorp Genetics (formerly Invitae), Labcorp
Classification: Pathogenic for Hereditary breast ovarian cancer syndrome. Last evaluated: 2021-02-06. Review status: criteria provided, single submitter. Criteria: Invitae Variant Classification Sherloc (09022015). Collection method: clinical testing. Allele origin: germline.
Comment: For these reasons, this variant has been classified as Pathogenic. This variant has not been reported in the literature in individuals with BRCA1-related conditions. This sequence change creates a premature translational stop signal (p.Thr582Asnfs*4) in the BRCA1 gene. It is expected to result in an absent or disrupted protein product. Loss-of-function variants in BRCA1 are known to be pathogenic (PMID: 20104584). This variant is not present in population databases (ExAC no frequency).

Literature cited by the submitters: PubMed 20104584.

NM_007294.4(BRCA1):c.1744dup (p.Thr582fs)

Gene: BRCA1 (BRCA1 DNA repair associated; minus strand). Cytogenetic location: 17q21.31.
Variant type: Duplication.
Coding change: c.1744dup on transcript NM_007294.4 (MANE Select); coding-DNA position 1744, one base duplicated (A; older notation c.1744dupA).
Protein change: p.Thr582fs; shifts the reading frame from threonine 582.
Molecular consequence: frameshift variant. On other transcripts: intron variant (137).
Genome position (GRCh38, 1-based): chr17:43,093,787, T duplicated on the plus strand (A on the coding strand, the reverse complement: BRCA1 is on the minus strand); the first of 4 consecutive T bases (chr17:43,093,787-43,093,790); duplicating any one gives the same sequence. VCF-style (leftmost placement, unchanged base first): chr17-43093786-G-GT. GRCh37 (hg19) VCF-style: chr17-41245803-G-GT.
Other names: c.1603dup, p.Thr535fs (NM_001407942.1, NM_001407944.1, NM_001407945.1 and 29 more transcripts); c.1600dup, p.Thr534fs (NM_001407943.1, NM_001407964.1, NM_001407740.1 and 20 more transcripts); c.1411dup, p.Thr471fs (NM_001407946.1, NM_001407947.1, NM_001407948.1 and 6 more transcripts); c.1408dup, p.Thr470fs (NM_001407954.1, NM_001407955.1, NM_001407956.1 and 1 more transcripts); c.1363dup, p.Thr455fs (NM_001407959.1, NM_001407960.1, NM_001407963.1); c.1360dup, p.Thr454fs (NM_001407962.1); c.1240dup, p.Thr414fs (NM_001407965.1); c.856dup, p.Thr286fs (NM_001407966.1, NM_001407967.1); and 40 more; short protein forms T535fs, T582fs, T286fs, T555fs, T556fs, T579fs, T414fs, T454fs.
Identifiers: ClinVar variation 1456027 (VCV001456027.7), dbSNP rs398122641, ClinGen allele CA2573154076.